The following is an entry in ClinVar:

NM_001267550.2(TTN):c.13287T>C (p.Ala4429=)

Gene: TTN (titin; minus strand). Cytogenetic location: 2q31.2.
Variant type: single nucleotide variant.
Coding change: c.13287T>C on transcript NM_001267550.2 (MANE Select); coding-DNA position 13287, T replaced by C.
Protein change: p.Ala4429=; no amino-acid change (alanine 4429 retained).
Molecular consequence: synonymous variant. On other transcripts: intron variant (1).
Genome position (GRCh38, 1-based): chr2:178,739,946, A>G on the plus strand (T>C on the coding strand, the complement: TTN is on the minus strand). VCF-style: chr2-178739946-A-G. GRCh37 (hg19) VCF-style: chr2-179604673-A-G.
Other names: p.A4112A:GCT>GCC; c.12336T>C, p.Ala4112= (NM_001256850.1); c.12198T>C, p.Ala4066= (NM_003319.4); c.12573T>C, p.Ala4191= (NM_133432.3); c.12774T>C, p.Ala4258= (NM_133437.4); c.10361-1586T>C (NM_133378.4).
Identifiers: ClinVar variation 47837 (VCV000047837.57), dbSNP rs370604524, ClinGen allele CA284562.

ClinVar aggregate classification (germline): Benign/Likely benign. Review status: criteria provided, multiple submitters, no conflicts (2 of 4 stars). 15 submissions from 12 submitters: Benign (10); Likely benign (5). Last evaluated 2026-08-01.

Conditions:
Cardiovascular phenotype. Identifiers: MedGen CN230736.
Dilated cardiomyopathy 1G (CMD1G). Identifiers: Orphanet 154, MedGen C1858763, MONDO:0011400, OMIM 604145.
Autosomal recessive limb-girdle muscular dystrophy type 2J (LGMDR10). Also called: MUSCULAR DYSTROPHY, LIMB-GIRDLE, AUTOSOMAL RECESSIVE 10; Limb-girdle muscular dystrophy, type 2J. Identifiers: Orphanet 140922, MedGen C1837342, MONDO:0012127, OMIM 608807.
Early-onset myopathy with fatal cardiomyopathy (CMYO5). Also called: CONGENITAL MYOPATHY 5 WITH CARDIOMYOPATHY; Salih Myopathy. Identifiers: Orphanet 289377, MedGen C2673677, MONDO:0012714, OMIM 611705. Disease mechanism: loss of function.
Tibial muscular dystrophy (TMD). Also called: Udd Distal Myopathy – Tibial Muscular Dystrophy; Tibial muscular dystrophy, tardive; UDD MYOPATHY. Identifiers: Orphanet 609, MedGen C1838244, MONDO:0010870, OMIM 600334.
Myopathy, myofibrillar, 9, with early respiratory failure (MFM9). Also called: Myopathy, distal, with early respiratory failure, autosomal dominant; Hereditary myopathy with early respiratory failure; MYOPATHY, PROXIMAL, WITH EARLY RESPIRATORY MUSCLE INVOLVEMENT; EDSTROM MYOPATHY. Identifiers: Orphanet 178464, Orphanet 34521, MedGen C1863599, MONDO:0011362, OMIM 603689.

Allele frequency attached by ClinVar (database versions not stated): ExAC 0.00039; gnomAD 0.00105 and 0.00108; ESP Exome Variant Server 0.00146; 1000 Genomes Project 30x 0.00172; gnomAD exomes 0.00032 and 0.00007; 1000 Genomes Project 0.00140; TOPMed 0.00121.
gnomAD v4.1: 275 of 1,613,816 alleles (0.017%); highest among the groups gnomAD compares: African/African-American, 0.33%; 1 homozygote.

Submissions (15):

CeGaT Center for Human Genetics Tuebingen
Classification: Likely benign. Last evaluated: 2026-08-01. Review status: criteria provided, single submitter. Criteria: CeGaT Center For Human Genetics Tuebingen Variant Classification Criteria Version 2. Collection method: clinical testing. Allele origin: germline. Affected: yes. Observed: 2 variant alleles.
Comment: TTN: BP4, BP7

Women's Health and Genetics/Laboratory Corporation of America, LabCorp
Classification: Likely benign. Last evaluated: 2026-03-03. Review status: criteria provided, single submitter. Criteria: LabCorp Variant Classification Summary - May 2015. Collection method: clinical testing. Allele origin: germline.

Labcorp Genetics (formerly Invitae), Labcorp
Classification: Benign for Dilated cardiomyopathy 1G; Autosomal recessive limb-girdle muscular dystrophy type 2J. Last evaluated: 2026-01-27. Review status: criteria provided, single submitter. Criteria: Invitae Variant Classification Sherloc (09022015). Collection method: clinical testing. Allele origin: germline.

Molecular Diagnostic Laboratory for Inherited Cardiovascular Disease, Montreal Heart Institute
Classification: Benign. Last evaluated: 2025-04-09. Review status: criteria provided, single submitter. Criteria: ACMG Guidelines, 2015. Collection method: clinical testing. Allele origin: germline. Affected: no.
Comment: BS1;BP6;BP7

Blueprint Genetics
Classification: Likely benign. Last evaluated: 2024-11-11. Review status: criteria provided, single submitter. Criteria: ACMG Guidelines, 2015. Collection method: clinical testing. Allele origin: germline.

Genome-Nilou Lab
Classification: Benign for Autosomal recessive limb-girdle muscular dystrophy type 2J. Last evaluated: 2021-09-10. Review status: criteria provided, single submitter. Criteria: ACMG Guidelines, 2015. Collection method: clinical testing. Allele origin: germline. Affected: no.

Genome-Nilou Lab
Classification: Benign for Myopathy, myofibrillar, 9, with early respiratory failure. Last evaluated: 2021-09-10. Review status: criteria provided, single submitter. Criteria: ACMG Guidelines, 2015. Collection method: clinical testing. Allele origin: germline. Affected: no.

Genome-Nilou Lab
Classification: Benign for Early-onset myopathy with fatal cardiomyopathy. Last evaluated: 2021-09-10. Review status: criteria provided, single submitter. Criteria: ACMG Guidelines, 2015. Collection method: clinical testing. Allele origin: germline. Affected: no.

Genome-Nilou Lab
Classification: Benign for Tibial muscular dystrophy. Last evaluated: 2021-09-10. Review status: criteria provided, single submitter. Criteria: ACMG Guidelines, 2015. Collection method: clinical testing. Allele origin: germline. Affected: no.

ARUP Laboratories, Molecular Genetics and Genomics, ARUP Laboratories
Classification: Benign. Last evaluated: 2021-07-10. Review status: criteria provided, single submitter. Criteria: ARUP Molecular Germline Variant Investigation Process 2021. Collection method: clinical testing. Allele origin: germline.

Athena Diagnostics
Classification: Benign. Last evaluated: 2016-10-28. Review status: criteria provided, single submitter. Criteria: Athena Diagnostics Criteria. Collection method: clinical testing. Allele origin: germline.

Ambry Genetics
Classification: Likely benign for Cardiovascular phenotype. Last evaluated: 2015-09-17. Review status: criteria provided, single submitter. Criteria: Ambry Variant Classification Scheme 2023. Collection method: clinical testing. Allele origin: germline.

Eurofins Ntd Llc (ga)
Classification: Likely benign. Last evaluated: 2015-08-21. Review status: criteria provided, single submitter. Criteria: EGL Classification Definitions 2015. Collection method: clinical testing. Allele origin: germline. Observed: 1 variant allele, 1 heterozygote.

GeneDx
Classification: Benign. Last evaluated: 2014-07-08. Review status: criteria provided, single submitter. Criteria: GeneDx Variant Classification (06012015). Collection method: clinical testing. Allele origin: germline. Affected: yes.
Comment: This variant is considered likely benign or benign based on one or more of the following criteria: it is a conservative change, it occurs at a poorly conserved position in the protein, it is predicted to be benign by multiple in silico algorithms, and/or has population frequency not consistent with disease.

Laboratory for Molecular Medicine, Mass General Brigham Personalized Medicine
Classification: Benign. Last evaluated: 2012-01-24. Review status: criteria provided, single submitter. Criteria: LMM Criteria. Collection method: clinical testing. Allele origin: germline. Observed: 3 variant alleles.